The following is an entry in ClinVar:

NM_001257096.2(PAX1):c.1028C>T (p.Pro343Leu)

Gene: PAX1 (paired box 1; plus strand). Cytogenetic location: 20p11.22.
Variant type: single nucleotide variant.
Coding change: c.1028C>T on transcript NM_001257096.2 (MANE Select); coding-DNA position 1028, C replaced by T.
Protein change: p.Pro343Leu; replaces proline 343 with leucine.
Molecular consequence: missense variant.
Genome position (GRCh38, 1-based): chr20:21,708,669, C>T. VCF-style: chr20-21708669-C-T. GRCh37 (hg19) VCF-style: chr20-21689307-C-T.
Other names: c.1028C>T, p.Pro343Leu (NM_006192.5); short protein forms P343L.
Identifiers: ClinVar variation 1379856 (VCV001379856.5), dbSNP rs1985097665, ClinGen allele CA408499215.

ClinVar aggregate classification (germline): Uncertain significance (1 of 4 stars; one submission).

gnomAD v4.1: 1 of 1,613,638 alleles (0.000062%); highest among the groups gnomAD compares: Non-Finnish European, 0.000085%; no homozygotes.

Submission:

Labcorp Genetics (formerly Invitae), Labcorp
Classification: Uncertain significance. Last evaluated: 2022-07-19. Review status: criteria provided, single submitter. Criteria: Invitae Variant Classification Sherloc (09022015). Collection method: clinical testing. Allele origin: germline.
Comment: This sequence change replaces proline, which is neutral and non-polar, with leucine, which is neutral and non-polar, at codon 343 of the PAX1 protein (p.Pro343Leu). This variant is not present in population databases (gnomAD no frequency). This variant has not been reported in the literature in individuals affected with PAX1-related conditions. ClinVar contains an entry for this variant (Variation ID: 1379856). Algorithms developed to predict the effect of missense changes on protein structure and function are either unavailable or do not agree on the potential impact of this missense change (SIFT: "Deleterious"; PolyPhen-2: "Benign"; Align-GVGD: "Class C0"). In summary, the available evidence is currently insufficient to determine the role of this variant in disease. Therefore, it has been classified as a Variant of Uncertain Significance.